The following is an entry in ClinVar:

NM_006244.4(PPP2R5B):c.96C>A (p.Ser32=)

Gene: PPP2R5B (protein phosphatase 2 regulatory subunit B'beta; plus strand). Cytogenetic location: 11q13.1.
Variant type: single nucleotide variant.
Coding change: c.96C>A on transcript NM_006244.4 (MANE Select); coding-DNA position 96, C replaced by A.
Protein change: p.Ser32=; no amino-acid change (serine 32 retained).
Molecular consequence: synonymous variant.
Genome position (GRCh38, 1-based): chr11:64,925,830, C>A. VCF-style: chr11-64925830-C-A. GRCh37 (hg19) VCF-style: chr11-64693302-C-A.
Identifiers: ClinVar variation 4730021 (VCV004730021.1).

ClinVar aggregate classification (germline): Uncertain significance (1 of 4 stars; one submission).

Submission:

Labcorp Genetics (formerly Invitae), Labcorp
Classification: Uncertain significance. Last evaluated: 2026-01-14. Review status: criteria provided, single submitter. Criteria: Invitae Variant Classification Sherloc (09022015). Collection method: clinical testing. Allele origin: germline.
Comment: This sequence change affects codon 32 of the PPP2R5B mRNA. It is a 'silent' change, meaning that it does not change the encoded amino acid sequence of the PPP2R5B protein. This variant is not present in population databases (gnomAD no frequency). This variant has not been reported in the literature in individuals affected with PPP2R5B-related conditions. Algorithms developed to predict the effect of sequence changes on RNA splicing suggest that this variant may create or strengthen a splice site. In summary, the available evidence is currently insufficient to determine the role of this variant in disease. Therefore, it has been classified as a Variant of Uncertain Significance.